The following is an entry in ClinVar:

NM_003239.5(TGFB3):c.755-20A>C

Gene: TGFB3 (transforming growth factor beta 3; minus strand). Cytogenetic location: 14q24.3.
Variant type: single nucleotide variant.
Coding change: c.755-20A>C on transcript NM_003239.5 (MANE Select); 20 bases into the intron before coding-DNA position 755, A replaced by C.
Molecular consequence: intron variant.
Genome position (GRCh38, 1-based): chr14:75,963,507, T>G on the plus strand (A>C on the coding strand, the complement: TGFB3 is on the minus strand). VCF-style: chr14-75963507-T-G. GRCh37 (hg19) VCF-style: chr14-76429850-T-G.
Other names: c.755-20A>C (NM_001329939.2, NM_001329938.2).
Identifiers: ClinVar variation 513346 (VCV000513346.9), dbSNP rs747852718, ClinGen allele CA7280348.

ClinVar aggregate classification (germline): Likely benign. Review status: criteria provided, multiple submitters, no conflicts (2 of 4 stars). 2 submissions from 2 submitters: Likely benign (2). Last evaluated 2024-01-22.

Conditions:
Rienhoff syndrome. Also called: LOEYS-DIETZ SYNDROME 5. Identifiers: MedGen C3810012, MONDO:0014262, OMIM 615582.

Allele frequency attached by ClinVar (database versions not stated): TOPMed below 0.00001; ExAC 0.00001; gnomAD exomes 0.00001 and 0.00005.
gnomAD v4.1: 67 of 1,613,966 alleles (0.0042%); highest among the groups gnomAD compares: Non-Finnish European, 0.0057%; no homozygotes.

Submissions (2):

Labcorp Genetics (formerly Invitae), Labcorp
Classification: Likely benign for Rienhoff syndrome. Last evaluated: 2024-01-22. Review status: criteria provided, single submitter. Criteria: Invitae Variant Classification Sherloc (09022015). Collection method: clinical testing. Allele origin: germline.

GeneDx
Classification: Likely benign. Last evaluated: 2017-11-13. Review status: criteria provided, single submitter. Criteria: GeneDx Variant Classification (06012015). Collection method: clinical testing. Allele origin: germline. Affected: yes.
Comment: This variant is considered likely benign or benign based on one or more of the following criteria: it is a conservative change, it occurs at a poorly conserved position in the protein, it is predicted to be benign by multiple in silico algorithms, and/or has population frequency not consistent with disease.